The following is an entry in ClinVar:

NM_024426.6(WT1):c.978G>A (p.Gly326=)

Gene: WT1 (WT1 transcription factor; minus strand). Cytogenetic location: 11p13.
Variant type: single nucleotide variant.
Coding change: c.978G>A on transcript NM_024426.6 (MANE Select); coding-DNA position 978, G replaced by A.
Protein change: p.Gly326=; no amino-acid change (glycine 326 retained).
Molecular consequence: synonymous variant. On other transcripts: non-coding transcript variant (1), intron variant (6).
Genome position (GRCh38, 1-based): chr11:32,416,528, C>T on the plus strand (G>A on the coding strand, the complement: WT1 is on the minus strand). VCF-style: chr11-32416528-C-T. GRCh37 (hg19) VCF-style: chr11-32438074-C-T.
Other names: c.327G>A, p.Gly109= (NM_001198551.2); c.978G>A, p.Gly326= (NM_001407044.1, NM_001407046.1, NM_024424.5); c.855G>A, p.Gly285= (NM_001407047.1); c.216G>A, p.Gly72= (NM_001407051.1); c.842+1049G>A (NM_001407050.1); c.965+1049G>A (NM_001407048.1, NM_001407049.1, NM_000378.6 and 1 more transcripts); c.314+1049G>A (NM_001198552.2); c.963G>A (NM_024426.4).
Identifiers: ClinVar variation 1113403 (VCV001113403.19), dbSNP rs2133032654, ClinGen allele CA473568278.

ClinVar aggregate classification (germline): Conflicting classifications of pathogenicity. Review status: criteria provided, conflicting classifications (1 of 4 stars). 3 submissions from 3 submitters: Uncertain significance (1); Likely benign (2). Last evaluated 2025-08-01.

Conditions:
Inborn genetic diseases. Identifiers: MedGen C0950123, MeSH D030342.
Wilms tumor 1 (WT1). Also called: Wilms tumor, somatic. Identifiers: Orphanet 654, MedGen CN033288, MONDO:0008679, OMIM 194070.
11p partial monosomy syndrome (WAGR). Also called: WAGR syndrome; CHROMOSOME 11p13 DELETION SYNDROME; WAGR Complex; WAGR Spectrum Disorder. Identifiers: Orphanet 893, MedGen C0206115, MONDO:0008681, OMIM 194072.
Drash syndrome (DDS). Also called: WILMS TUMOR AND PSEUDO- OR TRUE HERMAPHRODITISM; NEPHROPATHY, WILMS TUMOR, AND GENITAL ANOMALIES. Identifiers: Orphanet 220, MedGen C0950121, MONDO:0008682, OMIM 194080.
Frasier syndrome. Identifiers: Orphanet 347, MedGen C0950122, MeSH D052159, MONDO:0007635, OMIM 136680.

Allele frequency attached by ClinVar (database versions not stated): gnomAD exomes 0.00001.
gnomAD v4.1: 10 of 1,614,176 alleles (0.00062%); highest among the groups gnomAD compares: South Asian, 0.0011%; no homozygotes.

Submissions (3):

CeGaT Center for Human Genetics Tuebingen
Classification: Likely benign. Last evaluated: 2025-08-01. Review status: criteria provided, single submitter. Criteria: CeGaT Center For Human Genetics Tuebingen Variant Classification Criteria Version 2. Collection method: clinical testing. Allele origin: germline. Affected: yes. Observed: 1 variant allele.
Comment: WT1: BP4, BP7

Ambry Genetics
Classification: Uncertain significance for Inborn genetic diseases. Last evaluated: 2025-05-14. Review status: criteria provided, single submitter. Criteria: Ambry Variant Classification Scheme 2023. Collection method: clinical testing. Allele origin: germline.
Comment: The c.963G>A variant (also known as p.G321G), located in coding exon 5 of the WT1 gene, results from a G to A substitution at nucleotide position 963. This nucleotide substitution does not change the glycine at codon 321.This nucleotide position is well conserved in available vertebrate species. In silico splice site analysis for this alteration is inconclusive. Based on the available evidence, the clinical significance of this variant remains unclear.

Labcorp Genetics (formerly Invitae), Labcorp
Classification: Likely benign for Wilms tumor 1; Drash syndrome; 11p partial monosomy syndrome; Frasier syndrome. Last evaluated: 2024-08-03. Review status: criteria provided, single submitter. Criteria: Invitae Variant Classification Sherloc (09022015). Collection method: clinical testing. Allele origin: germline.